The following is an entry in ClinVar:

NM_170707.4(LMNA):c.*672T>C

Gene: LMNA (lamin A/C; plus strand). Cytogenetic location: 1q22.
Variant type: single nucleotide variant.
Coding change: c.*672T>C on transcript NM_170707.4 (MANE Select); 672 bases downstream of the stop codon, T replaced by C.
Molecular consequence: 3 prime UTR variant. On other transcripts: missense variant (1).
Genome position (GRCh38, 1-based): chr1:156,139,778, T>C. VCF-style: chr1-156139778-T-C. GRCh37 (hg19) VCF-style: chr1-156109569-T-C.
Other names: c.1664T>C, p.Met555Thr (NM_001257374.3); c.*672T>C (NM_001282626.2, NM_170708.4); short protein forms M555T.
Identifiers: ClinVar variation 246178 (VCV000246178.1), dbSNP rs879254141, ClinGen allele CA10584137.

ClinVar aggregate classification (germline): Uncertain significance (1 of 4 stars; one submission).

Allele frequency attached by ClinVar (database versions not stated): gnomAD exomes 0.00001; TOPMed 0.00001; gnomAD 0.00001.
gnomAD v4.1: 20 of 1,533,376 alleles (0.0013%); highest among the groups gnomAD compares: Non-Finnish European, 0.0017%; no homozygotes.

Submission:

GeneDx
Classification: Uncertain significance. Last evaluated: 2015-11-30. Review status: criteria provided, single submitter. Criteria: GeneDx Variant Classification (06012015). Collection method: clinical testing. Allele origin: germline. Affected: yes.
Comment: The M555T variant has not been published as a pathogenic variant, nor has it been reported as a benign variant to our knowledge. The M555T variant is a non-conservative amino acid substitution, which is likely to impact secondary protein structure as these residues differ in polarity, charge, size and/or other properties. This substitution occurs at a position that is conserved in mammals and in silico analysis predicts this variant is probably damaging to the protein structure/function. However, this variant is located in an alternate transcript of the LMNA gene where missense variants have not been reported to date (Stenson et al., 2014). Data from control individuals was not available to assess whether M555T may be a common benign variant in the general population.Therefore, based on the currently available information, it is unclear whether this variant is pathogenic or rare benign